The following is an entry in ClinVar:

NM_020822.3(KCNT1):c.3005C>T (p.Pro1002Leu)

Gene: KCNT1 (potassium sodium-activated channel subfamily T member 1; plus strand). Cytogenetic location: 9q34.3.
Variant type: single nucleotide variant.
Coding change: c.3005C>T on transcript NM_020822.3 (MANE Select); coding-DNA position 3005, C replaced by T.
Protein change: p.Pro1002Leu; replaces proline 1002 with leucine.
Molecular consequence: missense variant.
Genome position (GRCh38, 1-based): chr9:135,784,596, C>T. VCF-style: chr9-135784596-C-T. GRCh37 (hg19) VCF-style: chr9-138676442-C-T.
Other names: c.2870C>T, p.Pro957Leu (NM_001272003.2); short protein forms P1002L, P957L.
Identifiers: ClinVar variation 1353769 (VCV001353769.11), dbSNP rs763585049, ClinGen allele CA5327559.

ClinVar aggregate classification (germline): Uncertain significance. Review status: criteria provided, multiple submitters, no conflicts (2 of 4 stars). 2 submissions from 2 submitters: Uncertain significance (2). Last evaluated 2024-02-08.

Conditions:
Autosomal dominant nocturnal frontal lobe epilepsy 5. Also called: Epilepsy, nocturnal frontal lobe, 5; CILIARY DYSKINESIA, PRIMARY, 28, WITHOUT SITUS INVERSUS; CILIARY DYSKINESIA, PRIMARY, 28, WITH SITUS INVERSUS; KCNT1-Related Epilepsy. Identifiers: Orphanet 98784, MedGen C3554306, MONDO:0014002, OMIM 615005.
Developmental and epileptic encephalopathy, 14 (DEE14). Also called: Early infantile epileptic encephalopathy 14. Identifiers: Orphanet 293181, MedGen C3554195, MONDO:0013989, OMIM 614959.

Allele frequency attached by ClinVar (database versions not stated): ExAC 0.00001; gnomAD 0.00001.
gnomAD v4.1: 8 of 1,603,014 alleles (0.0005%); highest among the groups gnomAD compares: Middle Eastern, 0.019%; no homozygotes.

Submissions (2):

Labcorp Genetics (formerly Invitae), Labcorp
Classification: Uncertain significance for Autosomal dominant nocturnal frontal lobe epilepsy 5; Developmental and epileptic encephalopathy, 14. Last evaluated: 2024-02-08. Review status: criteria provided, single submitter. Criteria: Invitae Variant Classification Sherloc (09022015). Collection method: clinical testing. Allele origin: germline.
Comment: This sequence change replaces proline, which is neutral and non-polar, with leucine, which is neutral and non-polar, at codon 1002 of the KCNT1 protein (p.Pro1002Leu). This variant is not present in population databases (gnomAD no frequency). This variant has not been reported in the literature in individuals affected with KCNT1-related conditions. ClinVar contains an entry for this variant (Variation ID: 1353769). Advanced modeling of protein sequence and biophysical properties (such as structural, functional, and spatial information, amino acid conservation, physicochemical variation, residue mobility, and thermodynamic stability) has been performed at Invitae for this missense variant, however the output from this modeling did not meet the statistical confidence thresholds required to predict the impact of this variant on KCNT1 protein function. In summary, the available evidence is currently insufficient to determine the role of this variant in disease. Therefore, it has been classified as a Variant of Uncertain Significance.

Institute of Human Genetics, University of Leipzig Medical Center
Classification: Uncertain significance for Developmental and epileptic encephalopathy, 14. Last evaluated: 2023-07-05. Review status: criteria provided, single submitter. Criteria: ACMG Guidelines, 2015. Collection method: clinical testing. Allele origin: paternal. Inheritance: Autosomal dominant inheritance. Affected: yes.
Comment: Criteria applied: PS2_MOD,PM2_SUP,PP3